The following is an entry in ClinVar:

ClinVar aggregate classification (germline): Likely benign (1 of 4 stars; one submission).

Conditions:
EYA1-related disorder. Also called: EYA1-related condition.

gnomAD v4.1: 1 of 1,614,126 alleles (0.000062%); highest among the groups gnomAD compares: Non-Finnish European, 0.000085%; no homozygotes.

Submission:

PreventionGenetics, part of Exact Sciences
Classification: Likely benign for EYA1-related condition. Last evaluated: 2025-09-20. Review status: criteria provided, single submitter. Criteria: ACMG Guidelines, 2015. Collection method: clinical testing. Allele origin: germline.
Comment: This variant is classified as likely benign based on ACMG/AMP sequence variant interpretation guidelines (Richards et al. 2015 PMID: 25741868, with internal and published modifications).

NM_000503.6(EYA1):c.525T>C (p.Pro175=)

Gene: EYA1 (EYA transcriptional coactivator and phosphatase 1; minus strand). Cytogenetic location: 8q13.3.
Variant type: single nucleotide variant.
Coding change: c.525T>C on transcript NM_000503.6 (MANE Select); coding-DNA position 525, T replaced by C.
Protein change: p.Pro175=; no amino-acid change (proline 175 retained).
Molecular consequence: synonymous variant.
Genome position (GRCh38, 1-based): chr8:71,317,583, A>G on the plus strand (T>C on the coding strand, the complement: EYA1 is on the minus strand). VCF-style: chr8-71317583-A-G. GRCh37 (hg19) VCF-style: chr8-72229818-A-G.
Other names: c.507T>C, p.Pro169= (NM_001288574.2); c.159T>C, p.Pro53= (NM_001288575.2); c.612T>C, p.Pro204= (NM_001370333.1); c.525T>C, p.Pro175= (NM_001370334.1, NM_001370335.1, NM_172058.4); c.594T>C, p.Pro198= (NM_001370336.1); c.426T>C, p.Pro142= (NM_001411797.1, NM_172060.4); c.597T>C, p.Pro199= (NM_172059.5).
Identifiers: ClinVar variation 4997299 (VCV004997299.1).